The following is an entry in ClinVar:

NM_020297.4(ABCC9):c.4449+204C>T

Genes: ABCC9 (ATP binding cassette subfamily C member 9; minus strand), KCNJ8-AS1 (KCNJ8 antisense RNA 1; plus strand). Cytogenetic location: 12p12.1.
Variant type: single nucleotide variant.
Coding change: c.4449+204C>T on transcript NM_020297.4 (MANE Select); 204 bases into the intron after coding-DNA position 4449, C replaced by T.
Molecular consequence: intron variant.
Genome position (GRCh38, 1-based): chr12:21,807,142, G>A on the plus strand (C>T on the coding strand, the complement: ABCC9 is on the minus strand). VCF-style: chr12-21807142-G-A. GRCh37 (hg19) VCF-style: chr12-21960076-G-A.
Other names: c.3582+204C>T (NM_001377274.1); c.4449+204C>T (NM_005691.4, NM_001377273.1).
Identifiers: ClinVar variation 672440 (VCV000672440.1), dbSNP rs112652954, ClinGen allele CA233608945.

ClinVar aggregate classification (germline): Benign (1 of 4 stars; one submission).

Allele frequency attached by ClinVar (database versions not stated): gnomAD 0.02072; TOPMed 0.02169; 1000 Genomes Project 0.02336; 1000 Genomes Project 30x 0.02498.
gnomAD v4.1: 2,906 of 152,242 alleles (1.9%); highest among the groups gnomAD compares: African/African-American, 6.6%; 87 homozygotes.

Submission:

GeneDx
Classification: Benign. Last evaluated: 2018-06-14. Review status: criteria provided, single submitter. Criteria: GeneDx Variant Classification (06012015). Collection method: clinical testing. Allele origin: germline. Affected: yes.
Comment: This variant is considered likely benign or benign based on one or more of the following criteria: it is a conservative change, it occurs at a poorly conserved position in the protein, it is predicted to be benign by multiple in silico algorithms, and/or has population frequency not consistent with disease.